The following is an entry in ClinVar:

ClinVar aggregate classification (germline): Likely pathogenic. Review status: reviewed by expert panel (3 of 4 stars). 3 submissions from 3 submitters: Likely pathogenic (1). 2 of the submissions do not count toward it. Last evaluated 2025-11-19.

Conditions:
CYP1B1-related glaucoma with or without anterior segment dysgenesis. Identifiers: MedGen CN375931, MONDO:0800472.
Anterior segment dysgenesis 6 (ASGD6). Also called: Anterior segment dysgenesis 6, multiple subtypes. Identifiers: MedGen C4310623, MONDO:0015016, OMIM 617315.
Glaucoma 3A. Also called: Glaucoma 3, primary congenital, A. Identifiers: Orphanet 98976, Orphanet 98977, MedGen C1856439, MONDO:0009277, OMIM 231300.

Allele frequency attached by ClinVar (database versions not stated): gnomAD exomes below 0.00001; gnomAD below 0.00001 and 0.00001.
gnomAD v4.1: 3 of 1,614,084 alleles (0.00019%); highest among the groups gnomAD compares: African/African-American, 0.0013%; no homozygotes.

Submissions (3):

ClinGen Glaucoma Variant Curation Expert Panel
Classification: Likely pathogenic for CYP1B1-related glaucoma with or without anterior segment dysgenesis. Last evaluated: 2025-11-19. Review status: reviewed by expert panel. Criteria: ClinGen CYP1B1 ACMG Specifications V1 Approved. Collection method: curation. Allele origin: germline. Inheritance: Autosomal recessive inheritance.
Comment: The c.1409G>A variant in CYP1B1 is a missense variant predicted to cause substitution of Cystein by Tyrosine at amino acid 470 (p.Cys470Tyr). This missense variant is located in the L-helix including the haem-binding domain, meeting PM1. The highest minor allele frequency of this variant was in the European (Finnish) genetic ancestry group of gnomAD (v4.1.0) = 0.00001562 (1 allele out of 64,032), which met the ≤ 0.0005 threshold set for PM2_Supporting in a genetic ancestry group of at least 2,000 alleles. The REVEL score = 0.955, which met the ≥ 0.932 threshold for PP3_Strong, predicting a damaging effect on CYP1B1 function. PS3_Supporting was not applied, as although the OddsPath threshold was met (> 2.1), the threshold for abnormal impact on protein function in the assays could not be determined (PMID: 27060699). This variant has been identified in two individuals with a CYP1B1-related phenotype. Total proband points = 0.75, meeting PM3_Supporting. In summary, this variant met the criteria to receive a score of 6 and to be classified as likely pathogenic (likely pathogenic classification range 6 to 9, adapted from PMID: 32720330) for CYP1B1-related glaucoma with or without anterior segment dysgenesis (ASD) based on the ACMG/AMP criteria met, as specified by the ClinGen Glaucoma VCEP (v1.0, 06.11.2025): PP3_Strong, PM1, PM2_Supporting, PM3_Supporting (PP3 and PM1 are capped at 4 points).

Baylor Genetics
Classification: Likely pathogenic for Anterior segment dysgenesis 6. Last evaluated: 2023-05-25. Review status: criteria provided, single submitter. Criteria: ACMG Guidelines, 2015. Collection method: clinical testing. Allele origin: unknown. Not counted in ClinVar's aggregate classification.

Laboratoire de Génétique et de Physiologie Neuroendocrinienne, Faculté des Sciences
No classification provided. Condition: Glaucoma, congenital. Review status: no classification provided. Collection method: not provided. Allele origin: germline. Not counted in ClinVar's aggregate classification.
Comment: test comment 2

NM_000104.4(CYP1B1):c.1409G>A (p.Cys470Tyr)

Genes: CYP1B1 (cytochrome P450 family 1 subfamily B member 1; minus strand), LOC128772254 (melanoma risk locus-associated MPRA allelic enhancer 2:38298139; plus strand). Cytogenetic location: 2p22.2.
Variant type: single nucleotide variant.
Coding change: c.1409G>A on transcript NM_000104.4 (MANE Select); coding-DNA position 1409, G replaced by A.
Protein change: p.Cys470Tyr; replaces cysteine 470 with tyrosine.
Molecular consequence: missense variant.
Genome position (GRCh38, 1-based): chr2:38,070,945, C>T on the plus strand (G>A on the coding strand, the complement: CYP1B1 is on the minus strand). VCF-style: chr2-38070945-C-T. GRCh37 (hg19) VCF-style: chr2-38298088-C-T.
Other names: NM_000104.4(CYP1B1):c.1409G>A; p.Cys470Tyr; short protein forms C470Y.
Identifiers: ClinVar variation 96699 (VCV000096699.2), dbSNP rs104894979, ClinGen allele CA267222.